The following is an entry in ClinVar:

NM_001349253.2(SCN11A):c.4333A>G (p.Met1445Val)

Gene: SCN11A (sodium voltage-gated channel alpha subunit 11; minus strand). Cytogenetic location: 3p22.2.
Variant type: single nucleotide variant.
Coding change: c.4333A>G on transcript NM_001349253.2 (MANE Select); coding-DNA position 4333, A replaced by G.
Protein change: p.Met1445Val; replaces methionine 1445 with valine.
Molecular consequence: missense variant.
Genome position (GRCh38, 1-based): chr3:38,847,737, T>C on the plus strand (A>G on the coding strand, the complement: SCN11A is on the minus strand). VCF-style: chr3-38847737-T-C. GRCh37 (hg19) VCF-style: chr3-38889228-T-C.
Other names: c.4333A>G, p.Met1445Val (NM_014139.3); short protein forms M1445V.
Identifiers: ClinVar variation 2938259 (VCV002938259.3), dbSNP rs2064699880, ClinGen allele CA352164288.

ClinVar aggregate classification (germline): Uncertain significance (1 of 4 stars; one submission).

Conditions:
Hereditary sensory and autonomic neuropathy type 7. Also called: HSAN VII; Neuropathy, hereditary sensory and autonomic, type VII. Identifiers: Orphanet 391397, MedGen C3809882, MONDO:0014244, OMIM 615548.
Familial episodic pain syndrome with predominantly lower limb involvement. Also called: Episodic pain syndrome, familial, 3. Identifiers: Orphanet 391384, Orphanet 391392, MedGen C3809899, MONDO:0014247, OMIM 615552.

Submission:

Labcorp Genetics (formerly Invitae), Labcorp
Classification: Uncertain significance for Familial episodic pain syndrome with predominantly lower limb involvement; Hereditary sensory and autonomic neuropathy type 7. Last evaluated: 2022-12-09. Review status: criteria provided, single submitter. Criteria: Invitae Variant Classification Sherloc (09022015). Collection method: clinical testing. Allele origin: germline.
Comment: In summary, the available evidence is currently insufficient to determine the role of this variant in disease. Therefore, it has been classified as a Variant of Uncertain Significance. Algorithms developed to predict the effect of sequence changes on RNA splicing suggest that this variant may create or strengthen a splice site. Advanced modeling of protein sequence and biophysical properties (such as structural, functional, and spatial information, amino acid conservation, physicochemical variation, residue mobility, and thermodynamic stability) performed at Invitae indicates that this missense variant is not expected to disrupt SCN11A protein function. This variant has not been reported in the literature in individuals affected with SCN11A-related conditions. This variant is not present in population databases (gnomAD no frequency). This sequence change replaces methionine, which is neutral and non-polar, with valine, which is neutral and non-polar, at codon 1445 of the SCN11A protein (p.Met1445Val).